The following is an entry in ClinVar:

ClinVar aggregate classification (germline): Benign. Review status: criteria provided, multiple submitters, no conflicts (2 of 4 stars). 2 submissions from 2 submitters: Benign (2). Last evaluated 2018-06-14.

Allele frequency attached by ClinVar (database versions not stated): 1000 Genomes Project 30x 0.11368; 1000 Genomes Project 0.11482; TOPMed 0.15429; gnomAD 0.16830 and 0.17101; ESP Exome Variant Server 0.17231; ExAC 0.18069; gnomAD exomes 0.18508 and 0.20320.
gnomAD v4.1: 213,282 of 1,078,938 alleles (20%); highest among the groups gnomAD compares: Non-Finnish European, 23%; 24,141 homozygotes.

Submissions (2):

GeneDx
Classification: Benign. Last evaluated: 2018-06-14. Review status: criteria provided, single submitter. Criteria: GeneDx Variant Classification (06012015). Collection method: clinical testing. Allele origin: germline. Affected: yes.
Comment: This variant is considered likely benign or benign based on one or more of the following criteria: it is a conservative change, it occurs at a poorly conserved position in the protein, it is predicted to be benign by multiple in silico algorithms, and/or has population frequency not consistent with disease.

Breakthrough Genomics
Classification: Benign. Review status: criteria provided, single submitter. Criteria: ACMG Guidelines, 2015. Collection method: not provided. Allele origin: germline. Inheritance: Autosomal recessive inheritance. Affected: yes.

NM_001379210.1(SLC25A26):c.300+30T>C

Gene: SLC25A26 (solute carrier family 25 member 26; plus strand). Cytogenetic location: 3p14.1.
Variant type: single nucleotide variant.
Coding change: c.300+30T>C on transcript NM_001379210.1 (MANE Select); 30 bases into the intron after coding-DNA position 300, T replaced by C.
Molecular consequence: intron variant.
Genome position (GRCh38, 1-based): chr3:66,243,342, T>C. VCF-style: chr3-66243342-T-C. GRCh37 (hg19) VCF-style: chr3-66293766-T-C.
Other names: c.300+30T>C (NM_173471.4); c.36+30T>C (NM_001350993.1, NM_001164796.1).
Identifiers: ClinVar variation 683892 (VCV000683892.2), dbSNP rs66918103, ClinGen allele CA2483659.
Genomic context (GRCh38, chr3:66,243,342, plus strand): 5'-ACATATGTTGGCTGCCTCTGCTGGAGAAGTGGTAAGTAACAAGTTTTGTGTATAAAATAC[T>C]TCAGAAATGCACATCATGCATATATTTTCAGTACATATTTATTTCATTTTTTAAAAATTA-3'